The following is an entry in ClinVar:

NM_003055.3(SLC18A3):c.46A>G (p.Lys16Glu)

Genes: CHAT (choline O-acetyltransferase; plus strand), SLC18A3 (solute carrier family 18 member A3; plus strand). Cytogenetic location: 10q11.23.
Variant type: single nucleotide variant.
Coding change: c.46A>G on transcript NM_003055.3 (MANE Select); coding-DNA position 46, A replaced by G.
Protein change: p.Lys16Glu; replaces lysine 16 with glutamic acid.
Molecular consequence: missense variant. On other transcripts: intron variant (1).
Genome position (GRCh38, 1-based): chr10:49,610,786, A>G. VCF-style: chr10-49610786-A-G. GRCh37 (hg19) VCF-style: chr10-50818832-A-G.
Other names: c.-69+1587A>G (NM_020984.4); short protein forms K16E.
Identifiers: ClinVar variation 1509916 (VCV001509916.5), dbSNP rs753971264, ClinGen allele CA5496674.

ClinVar aggregate classification (germline): Uncertain significance. Review status: criteria provided, multiple submitters, no conflicts (2 of 4 stars). 2 submissions from 2 submitters: Uncertain significance (2). Last evaluated 2025-12-15.

Conditions:
Inborn genetic diseases. Identifiers: MedGen C0950123, MeSH D030342.

Allele frequency attached by ClinVar (database versions not stated): TOPMed 0.00001; gnomAD exomes below 0.00001.
gnomAD v4.1: 2 of 1,576,222 alleles (0.00013%); highest among the groups gnomAD compares: Admixed American, 0.0038%; no homozygotes.

Submissions (2):

Ambry Genetics
Classification: Uncertain significance for Inborn genetic diseases. Last evaluated: 2025-12-15. Review status: criteria provided, single submitter. Criteria: Ambry Variant Classification Scheme 2023. Collection method: clinical testing. Allele origin: germline.

Labcorp Genetics (formerly Invitae), Labcorp
Classification: Uncertain significance. Last evaluated: 2021-10-26. Review status: criteria provided, single submitter. Criteria: Invitae Variant Classification Sherloc (09022015). Collection method: clinical testing. Allele origin: germline.
Comment: This sequence change replaces lysine with glutamic acid at codon 16 of the SLC18A3 protein (p.Lys16Glu). The lysine residue is highly conserved and there is a small physicochemical difference between lysine and glutamic acid. The frequency data for this variant in the population databases is considered unreliable, as metrics indicate poor data quality at this position in the ExAC database. This variant has not been reported in the literature in individuals affected with SLC18A3-related conditions. Algorithms developed to predict the effect of missense changes on protein structure and function (SIFT, PolyPhen-2, Align-GVGD) all suggest that this variant is likely to be tolerated. In summary, the available evidence is currently insufficient to determine the role of this variant in disease. Therefore, it has been classified as a Variant of Uncertain Significance.